The following is an entry in ClinVar:

NM_000038.6(APC):c.7783A>G (p.Ile2595Val)

Gene: APC (APC regulator of Wnt signaling pathway; plus strand). Cytogenetic location: 5q22.2.
Variant type: single nucleotide variant.
Coding change: c.7783A>G on transcript NM_000038.6 (MANE Select); coding-DNA position 7783, A replaced by G.
Protein change: p.Ile2595Val; replaces isoleucine 2595 with valine.
Molecular consequence: missense variant.
Genome position (GRCh38, 1-based): chr5:112,843,377, A>G. VCF-style: chr5-112843377-A-G. GRCh37 (hg19) VCF-style: chr5-112179074-A-G.
Other names: c.7783A>G, p.Ile2595Val (NM_001127510.3, NM_001354895.2, NM_001407450.1); c.7729A>G, p.Ile2577Val (NM_001127511.3); c.7837A>G, p.Ile2613Val (NM_001354896.2, NM_001407447.1, NM_001407448.1 and 1 more transcripts); c.7813A>G, p.Ile2605Val (NM_001354897.2); c.7708A>G, p.Ile2570Val (NM_001354898.2); c.7699A>G, p.Ile2567Val (NM_001354899.2); c.7660A>G, p.Ile2554Val (NM_001354900.2); c.7606A>G, p.Ile2536Val (NM_001354901.2, NM_001407453.1); and 11 more; short protein forms I2211V, I2605V, I2435V, I2494V, I2554V, I2585V, I2588V, I2623V.
Identifiers: ClinVar variation 1760611 (VCV001760611.4), dbSNP rs1766566927, ClinGen allele CA16038238.

ClinVar aggregate classification (germline): Uncertain significance. Review status: criteria provided, multiple submitters, no conflicts (2 of 4 stars). 2 submissions from 2 submitters: Uncertain significance (2). Last evaluated 2025-03-21.

Conditions:
Hereditary cancer-predisposing syndrome. Also called: Neoplastic Syndromes, Hereditary; Tumor predisposition; Hereditary Cancer Syndrome; Hereditary neoplastic syndrome. Identifiers: Orphanet 140162, MedGen C0027672, MeSH D009386, MONDO:0015356.
Classic or attenuated familial adenomatous polyposis. Identifiers: MedGen CN372698, MONDO:0021057.

Submissions (2):

Ambry Genetics
Classification: Uncertain significance for Hereditary cancer-predisposing syndrome. Last evaluated: 2025-03-21. Review status: criteria provided, single submitter. Criteria: Ambry Variant Classification Scheme 2023. Collection method: clinical testing. Allele origin: germline.
Comment: The p.I2595V variant (also known as c.7783A>G), located in coding exon 15 of the APC gene, results from an A to G substitution at nucleotide position 7783. The isoleucine at codon 2595 is replaced by valine, an amino acid with highly similar properties. This amino acid position is conserved. Missense alterations in APC are not a common cause of disease (Spier I et al. Genet Med. 2024 Feb;26(2):100992). In addition, in silico predictors for this gene do not accurately predict pathogenicity. Since supporting evidence is limited at this time, the clinical significance of this alteration remains unclear.

All of Us Research Program, National Institutes of Health
Classification: Uncertain significance for Classic or attenuated familial adenomatous polyposis. Last evaluated: 2023-09-04. Review status: criteria provided, single submitter. Criteria: ACMG Guidelines, 2015. Collection method: clinical testing. Allele origin: germline. Inheritance: Autosomal dominant inheritance. Observed: 1 variant allele, 1 heterozygote.
Comment: This missense variant replaces isoleucine with valine at codon 2595 of the APC protein. Computational prediction suggests that this variant may not impact protein structure and function (internally defined REVEL score threshold <= 0.5, PMID: 27666373). To our knowledge, functional studies have not been reported for this variant. This variant has not been reported in individuals affected with APC-related disorders in the literature. This variant has not been identified in the general population by the Genome Aggregation Database (gnomAD). The available evidence is insufficient to determine the role of this variant in disease conclusively. Therefore, this variant is classified as a Variant of Uncertain Significance.

This study involves interpretation of variants in research participants for the purpose of population health screening. Participant phenotype was not available at the time of variant classification. Additional details can be found in publication PMID: 35346344, PMCID: PMC8962531